The following is an entry in ClinVar:

NM_001845.6(COL4A1):c.2449G>A (p.Gly817Arg)

Gene: COL4A1 (collagen type IV alpha 1 chain; minus strand). Cytogenetic location: 13q34.
Variant type: single nucleotide variant.
Coding change: c.2449G>A on transcript NM_001845.6 (MANE Select); coding-DNA position 2449, G replaced by A.
Protein change: p.Gly817Arg; replaces glycine 817 with arginine.
Molecular consequence: missense variant.
Genome position (GRCh38, 1-based): chr13:110,178,932, C>T on the plus strand (G>A on the coding strand, the complement: COL4A1 is on the minus strand). VCF-style: chr13-110178932-C-T. GRCh37 (hg19) VCF-style: chr13-110831279-C-T.
Other names: short protein forms G817R.
Identifiers: ClinVar variation 2023253 (VCV002023253.4), dbSNP rs2501782158, ClinGen allele CA388668260.

ClinVar aggregate classification (germline): Likely pathogenic (1 of 4 stars; one submission).

Submission:

Labcorp Genetics (formerly Invitae), Labcorp
Classification: Likely pathogenic. Last evaluated: 2022-08-09. Review status: criteria provided, single submitter. Criteria: Invitae Variant Classification Sherloc (09022015). Collection method: clinical testing. Allele origin: germline.
Comment: In summary, the currently available evidence indicates that the variant is pathogenic, but additional data are needed to prove that conclusively. Therefore, this variant has been classified as Likely Pathogenic. This variant disrupts the triple helix domain of COL4A1. Glycine residues within the Gly-Xaa-Yaa repeats of the triple helix domain are required for the structure and stability of fibrillar collagens (PMID: 7695699, 8218237, 19344236). In COL4A1 variants affecting these glycine residues are significantly enriched in individuals with disease (PMID: 9016532, 17078022) compared to the general population (ExAC). Advanced modeling of protein sequence and biophysical properties (such as structural, functional, and spatial information, amino acid conservation, physicochemical variation, residue mobility, and thermodynamic stability) performed at Invitae indicates that this missense variant is expected to disrupt COL4A1 protein function. This variant has not been reported in the literature in individuals affected with COL4A1-related conditions. This variant is not present in population databases (gnomAD no frequency). This sequence change replaces glycine, which is neutral and non-polar, with arginine, which is basic and polar, at codon 817 of the COL4A1 protein (p.Gly817Arg).

Literature cited by the submitters: PubMed 7695699; PubMed 8218237; PubMed 19344236; PubMed 9016532; PubMed 17078022.